The following is an entry in ClinVar:

ClinVar aggregate classification (germline): Uncertain significance (1 of 4 stars; one submission).

Submission:

GeneDx
Classification: Uncertain significance. Last evaluated: 2025-05-16. Review status: criteria provided, single submitter. Criteria: GeneDx Variant Classification Process June 2021. Collection method: clinical testing. Allele origin: germline. Affected: yes.
Comment: Not observed at significant frequency in large population cohorts (gnomAD); In silico analysis supports that this missense variant has a deleterious effect on protein structure/function; Has not been previously published as pathogenic or benign to our knowledge

NM_005902.4(SMAD3):c.92G>T (p.Cys31Phe)

Gene: SMAD3 (SMAD family member 3; plus strand). Cytogenetic location: 15q22.33.
Variant type: single nucleotide variant.
Coding change: c.92G>T on transcript NM_005902.4 (MANE Select); coding-DNA position 92, G replaced by T.
Protein change: p.Cys31Phe; replaces cysteine 31 with phenylalanine.
Molecular consequence: missense variant.
Genome position (GRCh38, 1-based): chr15:67,066,246, G>T. VCF-style: chr15-67066246-G-T. GRCh37 (hg19) VCF-style: chr15-67358584-G-T.
Other names: c.92G>T, p.Cys31Phe (NM_001407011.1, NM_001407012.1, NM_001407013.1); short protein forms C31F.
Identifiers: ClinVar variation 4529599 (VCV004529599.1).